The following is an entry in ClinVar:

ClinVar aggregate classification (germline): Pathogenic (1 of 4 stars; one submission).

Submission:

Labcorp Genetics (formerly Invitae), Labcorp
Classification: Pathogenic. Last evaluated: 2023-04-27. Review status: criteria provided, single submitter. Criteria: Invitae Variant Classification Sherloc (09022015). Collection method: clinical testing. Allele origin: germline.
Comment: This sequence change creates a premature translational stop signal (p.Gly378Cysfs*11) in the TET2 gene. It is expected to result in an absent or disrupted protein product. Loss-of-function variants in TET2 are known to be pathogenic (PMID: 36066697). This variant is not present in population databases (gnomAD no frequency). This variant has not been reported in the literature in individuals affected with TET2-related conditions. For these reasons, this variant has been classified as Pathogenic.

Literature cited by the submitters: PubMed 36066697.

NM_001127208.3(TET2):c.1132_1133del (p.Gly378fs)

Genes: TET2 (tet methylcytosine dioxygenase 2; plus strand), TET2-AS1 (TET2 antisense RNA 1; minus strand). Cytogenetic location: 4q24.
Variant type: Deletion.
Coding change: c.1132_1133del on transcript NM_001127208.3 (MANE Select); coding-DNA positions 1132 to 1133, 2 bases deleted (GG; older notation c.1132_1133delGG).
Protein change: p.Gly378fs; shifts the reading frame from glycine 378.
Molecular consequence: frameshift variant.
Genome position (GRCh38, 1-based): chr4:105,235,074-105,235,075, GG deleted. VCF-style (leftmost placement, unchanged base first): chr4-105235073-TGG-T. GRCh37 (hg19) VCF-style: chr4-106156230-TGG-T.
Other names: c.1132_1133del, p.Gly378fs (NM_017628.4); short protein forms G378fs.
Identifiers: ClinVar variation 2859816 (VCV002859816.3), dbSNP rs2476486500, ClinGen allele CA2739270214.